The following is an entry in ClinVar:

NM_000256.3(MYBPC3):c.3111C>T (p.Arg1037=)

Gene: MYBPC3 (myosin binding protein C3; minus strand). Cytogenetic location: 11p11.2.
Variant type: single nucleotide variant.
Coding change: c.3111C>T on transcript NM_000256.3 (MANE Select); coding-DNA position 3111, C replaced by T.
Protein change: p.Arg1037=; no amino-acid change (arginine 1037 retained).
Molecular consequence: synonymous variant.
Genome position (GRCh38, 1-based): chr11:47,333,636, G>A on the plus strand (C>T on the coding strand, the complement: MYBPC3 is on the minus strand). VCF-style: chr11-47333636-G-A. GRCh37 (hg19) VCF-style: chr11-47355187-G-A.
Identifiers: ClinVar variation 2084819 (VCV002084819.6), dbSNP rs765589466, ClinGen allele CA079137.

ClinVar aggregate classification (germline): Likely benign. Review status: criteria provided, multiple submitters, no conflicts (2 of 4 stars). 3 submissions from 3 submitters: Likely benign (3). Last evaluated 2025-08-15.

Conditions:
Hypertrophic cardiomyopathy. Also called: HYPERTROPHIC MYOCARDIOPATHY. Identifiers: Orphanet 217569, MedGen C0007194, MeSH D002312, MONDO:0005045, HP:0001639.
Cardiomyopathy (CMYO). Also called: Cardiomyopathies. Identifiers: Orphanet 167848, MedGen C0878544, MONDO:0004994, HP:0001638. Inheritance: Various modes of inheritance.

Allele frequency attached by ClinVar (database versions not stated): TOPMed below 0.00001; gnomAD 0.00001; gnomAD exomes 0.00001; ExAC 0.00002.
gnomAD v4.1: 10 of 1,607,830 alleles (0.00062%); highest among the groups gnomAD compares: South Asian, 0.0033%; no homozygotes.

Submissions (3):

Labcorp Genetics (formerly Invitae), Labcorp
Classification: Likely benign for Hypertrophic cardiomyopathy. Last evaluated: 2025-08-15. Review status: criteria provided, single submitter. Criteria: Invitae Variant Classification Sherloc (09022015). Collection method: clinical testing. Allele origin: germline.

All of Us Research Program, National Institutes of Health
Classification: Likely benign for Hypertrophic cardiomyopathy. Last evaluated: 2023-10-02. Review status: criteria provided, single submitter. Criteria: ACMG Guidelines, 2015. Collection method: clinical testing. Allele origin: germline. Inheritance: Autosomal dominant inheritance. Observed: 1 variant allele, 1 heterozygote.
Comment: This study involves interpretation of variants in research participants for the purpose of population health screening. Participant phenotype was not available at the time of variant classification. Additional details can be found in publication PMID: 35346344, PMCID: PMC8962531

Color Diagnostics, LLC DBA Color Health
Classification: Likely benign for Cardiomyopathy. Last evaluated: 2021-10-27. Review status: criteria provided, single submitter. Criteria: ACMG Guidelines, 2015. Collection method: clinical testing. Allele origin: germline.